The following is an entry in ClinVar:

NM_144668.6(CFAP251):c.202del (p.Glu68fs)

Gene: CFAP251 (cilia and flagella associated protein 251; plus strand). Cytogenetic location: 12q24.31.
Variant type: Deletion.
Coding change: c.202del on transcript NM_144668.6 (MANE Select); coding-DNA position 202, one base deleted (G; older notation c.202delG).
Protein change: p.Glu68fs; shifts the reading frame from glutamic acid 68.
Molecular consequence: frameshift variant.
Genome position (GRCh38, 1-based): chr12:121,921,507, G deleted; the last of 2 consecutive G bases (chr12:121,921,506-121,921,507); deleting either gives the same sequence. VCF-style (leftmost placement, unchanged base first): chr12-121921505-AG-A. GRCh37 (hg19) VCF-style: chr12-122359411-AG-A.
Other names: c.202del, p.Glu68fs (NM_001178003.2); short protein forms E68fs.
Identifiers: ClinVar variation 3382463 (VCV003382463.2).

ClinVar aggregate classification (germline): Pathogenic (1 of 4 stars; one submission).

Conditions:
Spermatogenic failure 33. Identifiers: MedGen C4748395, MONDO:0029147, OMIM 618152.

Submission:

Juno Genomics, Hangzhou Juno Genomics, Inc
Classification: Pathogenic for Spermatogenic failure 33. Review status: criteria provided, single submitter. Criteria: ACMG Guidelines, 2015. Collection method: clinical testing. Allele origin: germline. Affected: yes.
Comment: Absent from controls (or at extremely low frequency if recessive) in Genome Aggregation Database, Exome Sequencing Project, 1000 Genomes Project, or Exome Aggregation Consortium.;Null variant in a gene where loss of function (LOF) is a known mechanism of disease.;Patient's phenotype or family history is highly specific for a disease with a single genetic etiology.